The following is an entry in ClinVar:

ClinVar aggregate classification (germline): Uncertain significance (1 of 4 stars; one submission).

Allele frequency attached by ClinVar (database versions not stated): gnomAD exomes below 0.00001.

Submission:

Labcorp Genetics (formerly Invitae), Labcorp
Classification: Uncertain significance. Last evaluated: 2022-06-24. Review status: criteria provided, single submitter. Criteria: Invitae Variant Classification Sherloc (09022015). Collection method: clinical testing. Allele origin: germline.
Comment: This variant is not present in population databases (gnomAD no frequency). In summary, the available evidence is currently insufficient to determine the role of this variant in disease. Therefore, it has been classified as a Variant of Uncertain Significance. Algorithms developed to predict the effect of sequence changes on RNA splicing suggest that this variant may disrupt the consensus splice site. Algorithms developed to predict the effect of missense changes on protein structure and function output the following: SIFT: "Tolerated"; PolyPhen-2: "Benign"; Align-GVGD: "Class C15". The valine amino acid residue is found in multiple mammalian species, which suggests that this missense change does not adversely affect protein function. This variant has not been reported in the literature in individuals affected with HPS5-related conditions. This sequence change replaces isoleucine, which is neutral and non-polar, with valine, which is neutral and non-polar, at codon 236 of the HPS5 protein (p.Ile236Val).

NM_181507.2(HPS5):c.706A>G (p.Ile236Val)

Gene: HPS5 (HPS5 biogenesis of lysosomal organelles complex 2 subunit 2; minus strand). Cytogenetic location: 11p15.1.
Variant type: single nucleotide variant.
Coding change: c.706A>G on transcript NM_181507.2 (MANE Select); coding-DNA position 706, A replaced by G.
Protein change: p.Ile236Val; replaces isoleucine 236 with valine.
Molecular consequence: missense variant.
Genome position (GRCh38, 1-based): chr11:18,306,253, T>C on the plus strand (A>G on the coding strand, the complement: HPS5 is on the minus strand). VCF-style: chr11-18306253-T-C. GRCh37 (hg19) VCF-style: chr11-18327800-T-C.
Other names: c.364A>G, p.Ile122Val (NM_007216.4, NM_181508.2); short protein forms I122V, I236V.
Identifiers: ClinVar variation 2110299 (VCV002110299.4), dbSNP rs2494102293, ClinGen allele CA379502561.
Genomic context (GRCh38, chr11:18,306,253, plus strand): 5'-TTATAACTTCTCCATCAAAGTTCACTTCCCACATCCTAGAGCCTGGGCGAGCACAATATA[T>C]CAGAGGTTGCTGGCCCCCAGAACATCTTCCAGGAAAGAAACAAGCTCCATATTCTCCATC-3'
Protein context (NP_852608.1, residues 226-246): GRCSGGQQPL[Ile236Val]YCARPGSRMW